The following is an entry in ClinVar:

NM_138691.3(TMC1):c.1387G>A (p.Asp463Asn)

Gene: TMC1 (transmembrane channel like 1; plus strand). Cytogenetic location: 9q21.13.
Variant type: single nucleotide variant.
Coding change: c.1387G>A on transcript NM_138691.3 (MANE Select); coding-DNA position 1387, G replaced by A.
Protein change: p.Asp463Asn; replaces aspartic acid 463 with asparagine.
Molecular consequence: missense variant.
Genome position (GRCh38, 1-based): chr9:72,792,048, G>A. VCF-style: chr9-72792048-G-A. GRCh37 (hg19) VCF-style: chr9-75406964-G-A.
Other names: c.1387G>A (NM_138691.2); short protein forms D463N.
Identifiers: ClinVar variation 1367219 (VCV001367219.3), dbSNP rs758352261, ClinGen allele CA5081935.

ClinVar aggregate classification (germline): Uncertain significance. Review status: criteria provided, multiple submitters, no conflicts (2 of 4 stars). 2 submissions from 2 submitters: Uncertain significance (2). Last evaluated 2022-11-03.

Allele frequency attached by ClinVar (database versions not stated): ExAC 0.00002; TOPMed 0.00002; gnomAD 0.00003.
gnomAD v4.1: 133 of 1,613,952 alleles (0.0082%); highest among the groups gnomAD compares: Non-Finnish European, 0.011%; no homozygotes.

Submissions (2):

GeneDx
Classification: Uncertain significance. Last evaluated: 2022-11-03. Review status: criteria provided, single submitter. Criteria: GeneDx Variant Classification Process June 2021. Collection method: clinical testing. Allele origin: germline. Affected: yes.
Comment: In silico analysis supports that this missense variant has a deleterious effect on protein structure/function; Has not been previously published as pathogenic or benign to our knowledge

Labcorp Genetics (formerly Invitae), Labcorp
Classification: Uncertain significance. Last evaluated: 2022-02-09. Review status: criteria provided, single submitter. Criteria: Invitae Variant Classification Sherloc (09022015). Collection method: clinical testing. Allele origin: germline.
Comment: This sequence change replaces aspartic acid, which is acidic and polar, with asparagine, which is neutral and polar, at codon 463 of the TMC1 protein (p.Asp463Asn). This variant is present in population databases (rs758352261, gnomAD 0.006%). This variant has not been reported in the literature in individuals affected with TMC1-related conditions. Algorithms developed to predict the effect of missense changes on protein structure and function are either unavailable or do not agree on the potential impact of this missense change (SIFT: "Tolerated"; PolyPhen-2: "Possibly Damaging"; Align-GVGD: "Class C0"). In summary, the available evidence is currently insufficient to determine the role of this variant in disease. Therefore, it has been classified as a Variant of Uncertain Significance.